The following is an entry in ClinVar:

NM_016292.3(TRAP1):c.2014-7C>T

Genes: DNASE1 (deoxyribonuclease 1; plus strand), TRAP1 (TNF receptor associated protein 1; minus strand). Cytogenetic location: 16p13.3.
Variant type: single nucleotide variant.
Coding change: c.2014-7C>T on transcript NM_016292.3 (MANE Select); 7 bases into the intron before coding-DNA position 2014, C replaced by T.
Molecular consequence: intron variant.
Genome position (GRCh38, 1-based): chr16:3,658,237, G>A on the plus strand (C>T on the coding strand, the complement: TRAP1 is on the minus strand). VCF-style: chr16-3658237-G-A. GRCh37 (hg19) VCF-style: chr16-3708238-G-A.
Other names: c.1855-7C>T (NM_001272049.2); c.2014-7C>T (NM_016292.2).
Identifiers: ClinVar variation 807976 (VCV000807976.47), dbSNP rs187640053, ClinGen allele CA7867647.
Genomic context (GRCh38, chr16:3,658,237, plus strand): 5'-CATGGCCCTAGGGTCGTCAACAAGTCCAGCAGCAATCATGGCGTTCTCGTATATCTGAAA[G>A]GCAAGAGGAGAAACCCATTATGAGGGGCATGGGGCACCTTTTCATTTTTTTTTTTTTGAG-3'

ClinVar aggregate classification (germline): Benign/Likely benign. Review status: criteria provided, multiple submitters, no conflicts (2 of 4 stars). 3 submissions from 3 submitters: Benign (1); Likely benign (1). 1 of the submissions does not count toward it. Last evaluated 2024-10-24.

Conditions:
TRAP1-related disorder. Also called: TRAP1-related condition.

Allele frequency attached by ClinVar (database versions not stated): ESP Exome Variant Server 0.00015; TOPMed 0.00015; 1000 Genomes Project 30x 0.00016; 1000 Genomes Project 0.00020; gnomAD 0.00038; gnomAD exomes 0.00040 and 0.00076; ExAC 0.00080.
gnomAD v4.1: 635 of 1,611,876 alleles (0.039%); highest among the groups gnomAD compares: Non-Finnish European, 0.034%; 2 homozygotes.

Submissions (3):

Labcorp Genetics (formerly Invitae), Labcorp
Classification: Benign. Last evaluated: 2024-10-24. Review status: criteria provided, single submitter. Criteria: Invitae Variant Classification Sherloc (09022015). Collection method: clinical testing. Allele origin: germline.

CeGaT Center for Human Genetics Tuebingen
Classification: Likely benign. Last evaluated: 2019-05-01. Review status: criteria provided, single submitter. Criteria: CeGaT Center For Human Genetics Tuebingen Variant Classification Criteria Version 2. Collection method: clinical testing. Allele origin: germline. Affected: yes. Observed: 1 variant allele.

PreventionGenetics, part of Exact Sciences
Classification: Likely benign for TRAP1-related condition. Last evaluated: 2022-09-16. Review status: no assertion criteria provided. Collection method: clinical testing. Allele origin: germline. Not counted in ClinVar's aggregate classification.
Comment: This variant is classified as likely benign based on ACMG/AMP sequence variant interpretation guidelines (Richards et al. 2015 PMID: 25741868, with internal and published modifications).